The following is an entry in ClinVar:

NM_022489.4(INF2):c.3329C>A (p.Ala1110Asp)

Gene: INF2 (inverted formin 2; plus strand). Cytogenetic location: 14q32.33.
Variant type: single nucleotide variant.
Coding change: c.3329C>A on transcript NM_022489.4 (MANE Select); coding-DNA position 3329, C replaced by A.
Protein change: p.Ala1110Asp; replaces alanine 1110 with aspartic acid.
Molecular consequence: missense variant.
Genome position (GRCh38, 1-based): chr14:104,714,491, C>A. VCF-style: chr14-104714491-C-A. GRCh37 (hg19) VCF-style: chr14-105180828-C-A.
Other names: c.3329C>A, p.Ala1110Asp (NM_001031714.4); short protein forms A1110D.
Identifiers: ClinVar variation 1446280 (VCV001446280.6), dbSNP rs2140700719, ClinGen allele CA391224122.

ClinVar aggregate classification (germline): Uncertain significance (1 of 4 stars; one submission).

Conditions:
Focal segmental glomerulosclerosis 5 (FSGS5). Identifiers: Orphanet 656, MedGen C2750475, MONDO:0013191, OMIM 613237.
Charcot-Marie-Tooth disease dominant intermediate E. Also called: CHARCOT-MARIE-TOOTH NEUROPATHY WITH FOCAL SEGMENTAL GLOMERULONEPHRITIS. Identifiers: Orphanet 93114, MedGen C4302667, MONDO:0013758, OMIM 614455.

Submission:

Labcorp Genetics (formerly Invitae), Labcorp
Classification: Uncertain significance for Charcot-Marie-Tooth disease dominant intermediate E; Focal segmental glomerulosclerosis 5. Last evaluated: 2021-10-13. Review status: criteria provided, single submitter. Criteria: Invitae Variant Classification Sherloc (09022015). Collection method: clinical testing. Allele origin: germline.
Comment: This sequence change replaces alanine with aspartic acid at codon 1110 of the INF2 protein (p.Ala1110Asp). The alanine residue is weakly conserved and there is a moderate physicochemical difference between alanine and aspartic acid. This variant is not present in population databases (ExAC no frequency). This variant has not been reported in the literature in individuals affected with INF2-related conditions. Algorithms developed to predict the effect of missense changes on protein structure and function are either unavailable or do not agree on the potential impact of this missense change (SIFT: "Tolerated"; PolyPhen-2: "Not Available"; Align-GVGD: "Class C0"). In summary, the available evidence is currently insufficient to determine the role of this variant in disease. Therefore, it has been classified as a Variant of Uncertain Significance.